The following is an entry in ClinVar:

ClinVar aggregate classification (germline): Uncertain significance (1 of 4 stars; one submission).

gnomAD v4.1: 67 of 1,508,274 alleles (0.0044%); highest among the groups gnomAD compares: Non-Finnish European, 0.0057%; no homozygotes.

Submission:

GeneDx
Classification: Uncertain significance. Last evaluated: 2024-01-26. Review status: criteria provided, single submitter. Criteria: GeneDx Variant Classification Process June 2021. Collection method: clinical testing. Allele origin: germline. Affected: yes.
Comment: Not observed at significant frequency in large population cohorts (gnomAD); In silico analysis supports that this missense variant does not alter protein structure/function; Has not been previously published as pathogenic or benign to our knowledge; Reported using an alternate transcript of the gene

NM_001042544.1(LTBP4):c.22G>T (p.Gly8Cys)

Gene: LTBP4 (latent transforming growth factor beta binding protein 4; plus strand). Cytogenetic location: 19q13.2.
Variant type: single nucleotide variant.
Coding change: c.22G>T on transcript NM_001042544.1; coding-DNA position 22, G replaced by T.
Protein change: p.Gly8Cys; replaces glycine 8 with cysteine.
Molecular consequence: missense variant. On other transcripts: intron variant (1).
Genome position (GRCh38, 1-based): chr19:40,597,256, G>T. VCF-style: chr19-40597256-G-T. GRCh37 (hg19) VCF-style: chr19-41103162-G-T.
Other names: c.17-1941G>T (NM_003573.2); short protein forms G8C.
Identifiers: ClinVar variation 3368398 (VCV003368398.1).